The following is an entry in ClinVar:

NM_001197104.2(KMT2A):c.6869A>T (p.Glu2290Val)

Gene: KMT2A (lysine methyltransferase 2A; plus strand). Cytogenetic location: 11q23.3.
Variant type: single nucleotide variant.
Coding change: c.6869A>T on transcript NM_001197104.2 (MANE Select); coding-DNA position 6869, A replaced by T.
Protein change: p.Glu2290Val; replaces glutamic acid 2290 with valine.
Molecular consequence: missense variant.
Genome position (GRCh38, 1-based): chr11:118,502,761, A>T. VCF-style: chr11-118502761-A-T. GRCh37 (hg19) VCF-style: chr11-118373476-A-T.
Other names: c.6959A>T, p.Glu2320Val (NM_001412597.1); c.6860A>T, p.Glu2287Val (NM_005933.4); short protein forms E2287V, E2290V, E2320V.
Identifiers: ClinVar variation 4694761 (VCV004694761.1).

ClinVar aggregate classification (germline): Uncertain significance (1 of 4 stars; one submission).

Submission:

Labcorp Genetics (formerly Invitae), Labcorp
Classification: Uncertain significance. Last evaluated: 2025-07-21. Review status: criteria provided, single submitter. Criteria: Invitae Variant Classification Sherloc (09022015). Collection method: clinical testing. Allele origin: germline.
Comment: This sequence change replaces glutamic acid, which is acidic and polar, with valine, which is neutral and non-polar, at codon 2290 of the KMT2A protein (p.Glu2290Val). This variant is not present in population databases (gnomAD no frequency). This variant has not been reported in the literature in individuals affected with KMT2A-related conditions. Invitae Evidence Modeling of protein sequence and biophysical properties (such as structural, functional, and spatial information, amino acid conservation, physicochemical variation, residue mobility, and thermodynamic stability) indicates that this missense variant is not expected to disrupt KMT2A protein function with a negative predictive value of 95%. In summary, the available evidence is currently insufficient to determine the role of this variant in disease. Therefore, it has been classified as a Variant of Uncertain Significance.